The following is an entry in ClinVar:

ClinVar aggregate classification (germline): Likely pathogenic. Review status: criteria provided, multiple submitters, no conflicts (2 of 4 stars). 3 submissions from 3 submitters: Likely pathogenic (3). Last evaluated 2025-09-28.

Conditions:
Sulfite oxidase deficiency due to molybdenum cofactor deficiency type C. Also called: Molybdenum cofactor deficiency, complementation group C; Molybdenum cofactor deficiency C. Identifiers: Orphanet 308400, Orphanet 833, MedGen C1854990, MONDO:0014212, OMIM 615501.

Allele frequency attached by ClinVar (database versions not stated): TOPMed below 0.00001; gnomAD 0.00003; gnomAD exomes 0.00005; ExAC 0.00006; 1000 Genomes Project 30x 0.00016; 1000 Genomes Project 0.00020.
gnomAD v4.1: 52 of 1,553,422 alleles (0.0033%); highest among the groups gnomAD compares: South Asian, 0.051%; 1 homozygote.

Submissions (3):

Labcorp Genetics (formerly Invitae), Labcorp
Classification: Likely pathogenic for Sulfite oxidase deficiency due to molybdenum cofactor deficiency type C. Last evaluated: 2025-09-28. Review status: criteria provided, single submitter. Criteria: Invitae Variant Classification Sherloc (09022015). Collection method: clinical testing. Allele origin: germline.
Comment: This sequence change affects a donor splice site in intron 8 of the GPHN gene. It is expected to disrupt RNA splicing. Variants that disrupt the donor or acceptor splice site typically lead to a loss of protein function (PMID: 16199547), and loss-of-function variants in GPHN are known to be pathogenic (PMID: 11095995, 23184456, 23393157, 24561070, 26613940). This variant is present in population databases (rs533003321, gnomAD 0.03%), including at least one homozygous and/or hemizygous individual. This variant has not been reported in the literature in individuals affected with GPHN-related conditions. ClinVar contains an entry for this variant (Variation ID: 1338990). Algorithms developed to predict the effect of sequence changes on RNA splicing suggest that this variant may disrupt the consensus splice site. In summary, the currently available evidence indicates that the variant is pathogenic, but additional data are needed to prove that conclusively. Therefore, this variant has been classified as Likely Pathogenic.

Fulgent Genetics
Classification: Likely pathogenic for Sulfite oxidase deficiency due to molybdenum cofactor deficiency type C. Last evaluated: 2024-04-05. Review status: criteria provided, single submitter. Criteria: ACMG Guidelines, 2015. Collection method: clinical testing. Allele origin: germline.

Neuberg Centre For Genomic Medicine, NCGM
Classification: Likely pathogenic for Sulfite oxidase deficiency due to molybdenum cofactor deficiency type C. Review status: criteria provided, single submitter. Criteria: ACMG Guidelines, 2015. Collection method: clinical testing. Allele origin: germline. Affected: yes.
Comment: The splice donor variant c.828+1G>A in GPHN (NM_020806.4) has not been reported previously as a pathogenic variant nor as a benign variant, to our knowledge. The c.828+1G>A variant is observed in 10/30,712 (0.0326%) alleles from individuals of South Asian background in gnomAD Exomes and in 1/978 (0.1022%) alleles from individuals of South Asian background in 1000 Genomes. For these reasons, this variant has been classified as Likely Pathogenic.

Literature cited by the submitters: PubMed 16199547 (cited by Labcorp Genetics (formerly Invitae), Labcorp); PubMed 11095995 (cited by Labcorp Genetics (formerly Invitae), Labcorp); PubMed 23184456 (cited by Labcorp Genetics (formerly Invitae), Labcorp); PubMed 23393157 (cited by Labcorp Genetics (formerly Invitae), Labcorp); PubMed 24561070 (cited by Labcorp Genetics (formerly Invitae), Labcorp); PubMed 26613940 (cited by Labcorp Genetics (formerly Invitae), Labcorp).

NM_020806.5(GPHN):c.828+1G>A

Gene: GPHN (gephyrin; plus strand). Cytogenetic location: 14q23.3.
Variant type: single nucleotide variant.
Coding change: c.828+1G>A on transcript NM_020806.5 (MANE Select); the canonical splice donor site of the intron after coding-DNA position 828, G replaced by A.
Molecular consequence: splice donor variant. On other transcripts: intron variant (7).
Genome position (GRCh38, 1-based): chr14:66,924,293, G>A. VCF-style: chr14-66924293-G-A. GRCh37 (hg19) VCF-style: chr14-67391010-G-A.
Other names: c.768+1355G>A (NM_001377514.1, NM_001377519.1); c.729+1355G>A (NM_001377515.1, NM_001377516.1, NM_001377518.1 and 2 more transcripts).
Identifiers: ClinVar variation 1338990 (VCV001338990.11), dbSNP rs533003321, ClinGen allele CA7233836.